The following is an entry in ClinVar:

ClinVar aggregate classification (germline): Uncertain significance (1 of 4 stars; one submission).

Submission:

GeneDx
Classification: Uncertain significance. Last evaluated: 2016-07-18. Review status: criteria provided, single submitter. Criteria: GeneDx Variant Classification (06012015). Collection method: clinical testing. Allele origin: germline. Affected: yes.
Comment: This variant is denoted RAD51C c.715G>A at the cDNA level, p.Val239Met (V239M) at the protein level, and results in the change of a Valine to a Methionine (GTG>ATG). This variant has not, to our knowledge, been published in the literature as pathogenic or benign. RAD51C Val239Met was not observed in approximately 6,500 individuals of European and African American ancestry in the NHLBI Exome Sequencing Project, suggesting it is not a common benign variant in these populations. Since Valine and Methionine share similar properties, this is considered a conservative amino acid substitution. RAD51C Val239Met occurs at a position where amino acids with properties similar to Valine are tolerated across species and is located in the ATPase domain and the Walker B box (Miller 2004, Kim 2011). In silico analyses are inconsistent regarding the effect this variant may have on protein structure and function. Based on currently available evidence, it is unclear whether RAD51C Val239Met is a pathogenic or benign variant. We consider it to be a variant of uncertain significance.

NM_058216.3(RAD51C):c.715G>A (p.Val239Met)

Gene: RAD51C (RAD51 paralog C; plus strand). Cytogenetic location: 17q22.
Variant type: single nucleotide variant.
Coding change: c.715G>A on transcript NM_058216.3 (MANE Select); coding-DNA position 715, G replaced by A.
Protein change: p.Val239Met; replaces valine 239 with methionine.
Molecular consequence: missense variant. On other transcripts: non-coding transcript variant (1).
Genome position (GRCh38, 1-based): chr17:58,709,868, G>A. VCF-style: chr17-58709868-G-A. GRCh37 (hg19) VCF-style: chr17-56787229-G-A.
Other names: short protein forms V239M.
Identifiers: ClinVar variation 421729 (VCV000421729.2), dbSNP rs1064795326, ClinGen allele CA16620500.
Genomic context (GRCh38, chr17:58,709,868, plus strand): 5'-TTATTATTTTATTTTTCGTAACAAATCTAATATTATCTCTTCTGTATTTAGGTTCGACTA[G>A]TGATAGTGGATGGTATTGCTTTTCCATTTCGTCATGACCTAGATGACCTGTCTCTTCGTA-3'
Protein context (NP_478123.1, residues 229-249): FLSEHSKVRL[Val239Met]IVDGIAFPFR